The following is an entry in ClinVar:

ClinVar aggregate classification (germline): Uncertain significance. Review status: criteria provided, multiple submitters, no conflicts (2 of 4 stars). 2 submissions from 2 submitters: Uncertain significance (2). Last evaluated 2021-12-27.

Conditions:
Fanconi anemia (FA). Also called: Fanconi's anemia. Identifiers: Orphanet 84, MedGen C0015625, MeSH D005199, MONDO:0019391.
Fanconi anemia complementation group I (FANCI). Also called: FANCI-Related Fanconi Anemia. Identifiers: Orphanet 84, MedGen C1836861, MONDO:0012186, OMIM 609053.

Allele frequency attached by ClinVar (database versions not stated): gnomAD exomes below 0.00001.
gnomAD v4.1: 1 of 1,614,220 alleles (0.000062%); no homozygotes.

Submissions (2):

Fulgent Genetics
Classification: Uncertain significance for Fanconi anemia complementation group I. Last evaluated: 2021-12-27. Review status: criteria provided, single submitter. Criteria: ACMG Guidelines, 2015. Collection method: clinical testing. Allele origin: unknown.

Labcorp Genetics (formerly Invitae), Labcorp
Classification: Uncertain significance for Fanconi anemia. Last evaluated: 2021-08-27. Review status: criteria provided, single submitter. Criteria: Invitae Variant Classification Sherloc (09022015). Collection method: clinical testing. Allele origin: germline.
Comment: This sequence change replaces valine with alanine at codon 267 of the FANCI protein (p.Val267Ala). The valine residue is highly conserved and there is a small physicochemical difference between valine and alanine. This variant is not present in population databases (ExAC no frequency). This variant has not been reported in the literature in individuals affected with FANCI-related conditions. Algorithms developed to predict the effect of missense changes on protein structure and function are either unavailable or do not agree on the potential impact of this missense change (SIFT: "Tolerated"; PolyPhen-2: "Possibly Damaging"; Align-GVGD: "Class C0"). In summary, the available evidence is currently insufficient to determine the role of this variant in disease. Therefore, it has been classified as a Variant of Uncertain Significance.

NM_001113378.2(FANCI):c.800T>C (p.Val267Ala)

Gene: FANCI (FA complementation group I; plus strand). Cytogenetic location: 15q26.1.
Variant type: single nucleotide variant.
Coding change: c.800T>C on transcript NM_001113378.2 (MANE Select); coding-DNA position 800, T replaced by C.
Protein change: p.Val267Ala; replaces valine 267 with alanine.
Molecular consequence: missense variant.
Genome position (GRCh38, 1-based): chr15:89,268,443, T>C. VCF-style: chr15-89268443-T-C. GRCh37 (hg19) VCF-style: chr15-89811674-T-C.
Other names: c.521T>C, p.Val174Ala (NM_001376910.1); c.800T>C, p.Val267Ala (NM_001376911.1, NM_018193.3); short protein forms V174A, V267A.
Identifiers: ClinVar variation 838518 (VCV000838518.8), dbSNP rs1005232714, ClinGen allele CA274548011.